The following is an entry in ClinVar:

ClinVar aggregate classification (germline): Pathogenic (1 of 4 stars; one submission).

Submission:

GeneDx
Classification: Pathogenic. Last evaluated: 2020-01-21. Review status: criteria provided, single submitter. Criteria: GeneDx Variant Classification Process June 2021. Collection method: clinical testing. Allele origin: germline. Affected: yes.
Comment: Canonical splice site variant predicted to result in an in-frame deletion of a critical region; Not observed in large population cohorts (Lek et al., 2016); Reported in a cohort of individuals with epilepsy with myoclonic-atonic seizures, which likely includes this individual (Angione et al., 2019); This variant is associated with the following publications: (PMID: 30660939)

NM_177559.3(CSNK2A1):c.426+1G>T

Gene: CSNK2A1 (casein kinase 2 alpha 1; minus strand). Cytogenetic location: 20p13.
Variant type: single nucleotide variant.
Coding change: c.426+1G>T on transcript NM_177559.3 (MANE Select); the canonical splice donor site of the intron after coding-DNA position 426, G replaced by T.
Molecular consequence: splice donor variant.
Genome position (GRCh38, 1-based): chr20:497,720, C>A on the plus strand (G>T on the coding strand, the complement: CSNK2A1 is on the minus strand). VCF-style: chr20-497720-C-A. GRCh37 (hg19) VCF-style: chr20-478364-C-A.
Other names: c.18+1G>T (NM_177560.3); c.426+1G>T (NM_001362771.2, NM_001895.4, NM_001362770.2).
Identifiers: ClinVar variation 392940 (VCV000392940.3), dbSNP rs1057524708, ClinGen allele CA16608001.